The following is an entry in ClinVar:

NC_012920.1(MT-CO1):m.6289A>G

Gene: MT-CO1 (mitochondrially encoded cytochrome c oxidase I; plus strand).
Variant type: single nucleotide variant.
Genome position: chrM-6289-A-G.
Identifiers: ClinVar variation 692637 (VCV000692637.1), dbSNP rs1603220395, ClinGen allele CA414783006.

ClinVar aggregate classification (germline): Uncertain significance (1 of 4 stars; one submission).

Conditions:
Leigh syndrome (NULS). Also called: Leigh's necrotizing encephalopathy; Leigh's disease; Leigh Syndrome (mtDNA deletion); Leigh Disease; Subacute necrotizing encephalopathy; Necrotizing encephalopathy infantile subacute of Leigh. Identifiers: Orphanet 506, MedGen C2931891, MONDO:0009723, OMIM 256000.

Submission:

Wong Mito Lab, Molecular and Human Genetics, Baylor College of Medicine
Classification: Uncertain significance for Leigh syndrome. Last evaluated: 2019-10-17. Review status: criteria provided, single submitter. Criteria: Modified ACMG Guidelines (Unpublished). Collection method: clinical testing. Allele origin: germline.
Comment: The NC_012920.1:m.6289A>G (YP_003024028.1:p.Tyr129Cys) variant in MTCO1 gene is interpretated to be a Uncertain Significance variant based on the modified ACMG guidelines (unpublished). This variant meets the following evidence codes: PP3, PP7